The following is an entry in ClinVar:

ClinVar aggregate classification (germline): Benign/Likely benign. Review status: criteria provided, multiple submitters, no conflicts (2 of 4 stars). 9 submissions from 8 submitters: Benign (4); Likely benign (5). Last evaluated 2026-01-14.

Conditions:
Cardiovascular phenotype. Identifiers: MedGen CN230736.
Osteogenesis imperfecta (OI). Identifiers: Orphanet 666, MedGen C0029434, MeSH D010013, MONDO:0019019.
Ehlers-Danlos syndrome, arthrochalasia type, 2. Also called: EHLERS-DANLOS SYNDROME, TYPE VIIB, AUTOSOMAL DOMINANT. Identifiers: MedGen CN293783, MONDO:0040501, OMIM 617821.
Osteogenesis imperfecta type I (OI1). Also called: OI, TYPE I; OSTEOGENESIS IMPERFECTA TARDA; OSTEOGENESIS IMPERFECTA WITH BLUE SCLERAE; Classic Non-deforming Osteogenesis Imperfecta with Blue Sclerae; Lobstein disease; Osteogenesis imperfecta type 1. Identifiers: Orphanet 216796, Orphanet 666, MedGen C0023931, MONDO:0008146, OMIM 166200. Disease mechanism: loss of function.
Ehlers-Danlos syndrome, classic type, 1 (EDSCL1). Also called: EHLERS-DANLOS SYNDROME, GRAVIS TYPE; EHLERS-DANLOS SYNDROME, SEVERE CLASSIC TYPE; EDS I; Ehlers-Danlos syndrome, type 1; Ehlers-Danlos Syndrome, Classic Type, COL5A1-Related. Identifiers: MedGen C0268335, MONDO:0019567, OMIM 130000.

Allele frequency attached by ClinVar (database versions not stated): gnomAD exomes 0.00018 and 0.00039; ExAC 0.00053; TOPMed 0.00152; gnomAD 0.00164 and 0.00167; ESP Exome Variant Server 0.00200; 1000 Genomes Project 0.00260; 1000 Genomes Project 30x 0.00344.

Submissions (9):

Labcorp Genetics (formerly Invitae), Labcorp
Classification: Benign for Osteogenesis imperfecta type I; Ehlers-Danlos syndrome, classic type, 1. Last evaluated: 2026-01-14. Review status: criteria provided, single submitter. Criteria: Invitae Variant Classification Sherloc (09022015). Collection method: clinical testing. Allele origin: germline.

Athena Diagnostics
Classification: Benign. Last evaluated: 2025-09-19. Review status: criteria provided, single submitter. Criteria: Athena Diagnostics Criteria. Collection method: clinical testing. Allele origin: unknown.
Comment: The frequency of this variant in the general population is higher than would generally be expected for pathogenic variants in this gene.

ARUP Laboratories, Molecular Genetics and Genomics, ARUP Laboratories
Classification: Likely benign. Last evaluated: 2025-07-10. Review status: criteria provided, single submitter. Criteria: ARUP Molecular Germline Variant Investigation Process 2024. Collection method: clinical testing. Allele origin: germline.

Blueprint Genetics
Classification: Likely benign. Last evaluated: 2024-09-19. Review status: criteria provided, single submitter. Criteria: ACMG Guidelines, 2015. Collection method: clinical testing. Allele origin: germline.

GeneDx
Classification: Likely benign. Last evaluated: 2021-01-16. Review status: criteria provided, single submitter. Criteria: GeneDx Variant Classification Process June 2021. Collection method: clinical testing. Allele origin: germline. Affected: yes.

Ambry Genetics
Classification: Likely benign for Cardiovascular phenotype. Last evaluated: 2020-01-07. Review status: criteria provided, single submitter. Criteria: Ambry Variant Classification Scheme 2023. Collection method: clinical testing. Allele origin: germline.

Illumina Laboratory Services, Illumina
Classification: Benign for Osteogenesis imperfecta. Last evaluated: 2018-01-13. Review status: criteria provided, single submitter. Criteria: ICSL Variant Classification Criteria 13 December 2019. Collection method: clinical testing. Allele origin: germline.
Comment: This variant was observed in the ICSL laboratory as part of a predisposition screen in an ostensibly healthy population. It had not been previously curated by ICSL or reported in the Human Gene Mutation Database (HGMD: prior to June 1st, 2018), and was therefore a candidate for classification through an automated scoring system. Utilizing variant allele frequency, disease prevalence and penetrance estimates, and inheritance mode, an automated score was calculated to assess if this variant is too frequent to cause the disease. Based on the score and internal cut-off values, a variant classified as benign is not then subjected to further curation. The score for this variant resulted in a classification of benign for this disease.

Illumina Laboratory Services, Illumina
Classification: Benign for Ehlers-Danlos syndrome, arthrochalasia type, 2. Last evaluated: 2018-01-13. Review status: criteria provided, single submitter. Criteria: ICSL Variant Classification Criteria 13 December 2019. Collection method: clinical testing. Allele origin: germline.
Comment: the same text as in the submission from Illumina Laboratory Services, Illumina above.

Breakthrough Genomics
Classification: Likely benign. Review status: criteria provided, single submitter. Criteria: ACMG Guidelines, 2015. Collection method: not provided. Allele origin: germline. Inheritance: Autosomal recessive inheritance. Affected: yes.

NM_000089.4(COL1A2):c.3614G>A (p.Arg1205Gln)

Gene: COL1A2 (collagen type I alpha 2 chain; plus strand). Cytogenetic location: 7q21.3.
Variant type: single nucleotide variant.
Coding change: c.3614G>A on transcript NM_000089.4 (MANE Select); coding-DNA position 3614, G replaced by A.
Protein change: p.Arg1205Gln; replaces arginine 1205 with glutamine.
Molecular consequence: missense variant.
Genome position (GRCh38, 1-based): chr7:94,428,380, G>A. VCF-style: chr7-94428380-G-A. GRCh37 (hg19) VCF-style: chr7-94057692-G-A.
Other names: short protein forms R1205Q.
Identifiers: ClinVar variation 360969 (VCV000360969.26), dbSNP rs73428220, ClinGen allele CA4347800.
Genomic context (GRCh38, chr7:94,428,380, plus strand): 5'-GATGCACTATGGATGCTATCAAAGTATACTGTGATTTCTCTACTGGCGAAACCTGTATCC[G>A]GGCCCAACCTGAAAACATCCCAGCCAAGAACTGGTATAGGAGCTCCAAGGACAAGAAACA-3'
Protein context (NP_000080.2, residues 1195-1215): CDFSTGETCI[Arg1205Gln]AQPENIPAKN